The following is an entry in ClinVar:

ClinVar aggregate classification (germline): Pathogenic/Likely pathogenic. Review status: criteria provided, multiple submitters, no conflicts (2 of 4 stars). 6 submissions from 6 submitters: Pathogenic (2); Likely pathogenic (3). 1 of the submissions does not count toward it. Last evaluated 2025-01-23.

Conditions:
PMS2-related disorder. Also called: PMS2-related condition.
Hereditary cancer-predisposing syndrome. Also called: Tumor predisposition; Hereditary neoplastic syndrome; Hereditary Cancer Syndrome; Neoplastic Syndromes, Hereditary. Identifiers: Orphanet 140162, MedGen C0027672, MeSH D009386, MONDO:0015356.
Lynch syndrome 4 (LYNCH4). Also called: Hereditary non-polyposis colorectal cancer, type 4; Colorectal cancer, hereditary nonpolyposis, type 4. Identifiers: Orphanet 144, MedGen C1838333, MONDO:0013699, OMIM 614337. Disease mechanism: loss of function.
Hereditary nonpolyposis colorectal neoplasms. Identifiers: MedGen C0009405, MeSH D003123.

Submissions (6):

Labcorp Genetics (formerly Invitae), Labcorp
Classification: Pathogenic for Hereditary nonpolyposis colorectal neoplasms. Last evaluated: 2025-01-23. Review status: criteria provided, single submitter. Criteria: Invitae Variant Classification Sherloc (09022015). Collection method: clinical testing. Allele origin: germline.
Comment: This sequence change affects a donor splice site in intron 7 of the PMS2 gene. It is expected to disrupt RNA splicing. Variants that disrupt the donor or acceptor splice site typically lead to a loss of protein function (PMID: 16199547), and loss-of-function variants in PMS2 are known to be pathogenic (PMID: 21376568, 24362816). This variant is not present in population databases (gnomAD no frequency). Disruption of this splice site has been observed in individuals with colorectal cancer (PMID: 31992580; internal data). ClinVar contains an entry for this variant (Variation ID: 577554). Studies have shown that disruption of this splice site is associated with altered splicing resulting in multiple RNA products (internal data). For these reasons, this variant has been classified as Pathogenic.

Ambry Genetics
Classification: Likely pathogenic for Hereditary cancer-predisposing syndrome. Last evaluated: 2024-07-15. Review status: criteria provided, single submitter. Criteria: Ambry Variant Classification Scheme 2023. Collection method: clinical testing. Allele origin: germline.
Comment: The c.803+1G>T intronic variant results from a G to T substitution one nucleotide after coding exon 7 of the PMS2 gene. This variant is considered to be rare based on population cohorts in the Genome Aggregation Database (gnomAD). This nucleotide position is highly conserved in available vertebrate species. In silico splice site analysis predicts that this alteration will weaken the native splice donor site; however, direct evidence is insufficient at this time (Ambry internal data). Alterations that disrupt the canonical splice site are expected to cause aberrant splicing, resulting in an abnormal protein or a transcript that is subject to nonsense-mediated mRNA decay. As such, this alteration is classified as likely pathogenic.

Myriad Genetics, Inc.
Classification: Likely pathogenic for Lynch syndrome 4. Last evaluated: 2023-09-19. Review status: criteria provided, single submitter. Criteria: Myriad Autosomal Dominant, Autosomal Recessive and X-Linked Classification Criteria (2023). Collection method: clinical testing. Allele origin: unknown.
Comment: This variant is considered likely pathogenic. This variant occurs within a consensus splice junction and is predicted to result in abnormal mRNA splicing of either an out-of-frame exon or an in-frame exon necessary for protein stability and/or normal function.

Baylor Genetics
Classification: Likely pathogenic for Lynch syndrome 4. Last evaluated: 2020-11-07. Review status: criteria provided, single submitter. Criteria: ACMG Guidelines, 2015. Collection method: clinical testing. Allele origin: unknown.

Revvity Omics, Revvity
Classification: Pathogenic. Last evaluated: 2019-05-06. Review status: criteria provided, single submitter. Criteria: ACMG Guidelines, 2015. Collection method: clinical testing. Allele origin: germline.

PreventionGenetics, part of Exact Sciences
Classification: Likely pathogenic for PMS2-related condition. Last evaluated: 2024-09-16. Review status: no assertion criteria provided. Collection method: clinical testing. Allele origin: germline. Not counted in ClinVar's aggregate classification.
Comment: The PMS2 c.803+1G>T variant is predicted to disrupt the GT donor site and interfere with normal splicing. To our knowledge, this variant has not been reported in the literature or in the gnomAD database, indicating this variant is rare. This variant is reported as pathogenic/likely pathogenic in ClinVar. Of note, a different nucleotide substitution at the same position (c.803+1G>C) has been reported in an individual with colorectal cancer and suspected Lynch syndrome (Wang et al. 2020. PubMed ID: 31992580). Variants that disrupt the consensus splice donor site in PMS2 are expected to be pathogenic. The c.803+1G>T variant is interpreted as likely pathogenic.

Literature cited by the submitters: PubMed 16199547 (cited by Labcorp Genetics (formerly Invitae), Labcorp); PubMed 21376568 (cited by Labcorp Genetics (formerly Invitae), Labcorp); PubMed 24362816 (cited by Labcorp Genetics (formerly Invitae), Labcorp); PubMed 31992580 (cited by Labcorp Genetics (formerly Invitae), Labcorp).

NM_000535.7(PMS2):c.803+1G>T

Gene: PMS2 (PMS1 homolog 2, mismatch repair system component; minus strand). Cytogenetic location: 7p22.1.
Variant type: single nucleotide variant.
Coding change: c.803+1G>T on transcript NM_000535.7 (MANE Select); the canonical splice donor site of the intron after coding-DNA position 803, G replaced by T.
Molecular consequence: splice donor variant. On other transcripts: intron variant (3).
Genome position (GRCh38, 1-based): chr7:5,997,325, C>A on the plus strand (G>T on the coding strand, the complement: PMS2 is on the minus strand). VCF-style: chr7-5997325-C-A. GRCh37 (hg19) VCF-style: chr7-6036956-C-A.
Other names: c.398+1G>T (NM_001322004.2, NM_001406895.1, NM_001406889.1 and 19 more transcripts); c.494+1G>T (NM_001406879.1, NM_001406881.1, NM_001322015.2 and 6 more transcripts); c.485+1G>T (NM_001406902.1, NM_001322008.2, NM_001406883.1 and 4 more transcripts); c.290+1G>T (NM_001406904.1, NM_001406905.1); c.132+5128G>T (NM_001406911.1); c.230+1G>T (NM_001322013.2, NM_001406909.1); c.-131+1G>T (NM_001322012.2, NM_001322011.2); c.467+1G>T (NM_001406885.1); and 7 more.
Identifiers: ClinVar variation 577554 (VCV000577554.18), dbSNP rs1562669585, ClinGen allele CA366743597.